The following is an entry in ClinVar:

ClinVar aggregate classification (germline): Conflicting classifications of pathogenicity. Review status: criteria provided, conflicting classifications (1 of 4 stars). 5 submissions from 5 submitters: Likely pathogenic (2); Uncertain significance (3). Last evaluated 2026-07-31.

Conditions:
Polycystic kidney disease, adult type (PKD1). Also called: Polycystic Kidney, Autosomal Dominant; Polycystic Kidney Disease 1, Autosomal Dominant; Polycystic kidney disease 1; Polycystic kidney disease 1, severe; POLYCYSTIC KIDNEY DISEASE, ADULT, TYPE I; POLYCYSTIC KIDNEY DISEASE 1 WITH OR WITHOUT POLYCYSTIC LIVER DISEASE. Identifiers: MedGen C3149841, MONDO:0008263, OMIM 173900.
PKD1-related disorder. Also called: PKD1-related condition.

Allele frequency attached by ClinVar (database versions not stated): TOPMed below 0.00001.

Submissions (5):

GeneDx
Classification: Uncertain significance. Last evaluated: 2026-07-31. Review status: criteria provided, single submitter. Criteria: GeneDx Variant Classification Process June 2021. Collection method: clinical testing. Allele origin: germline.
Comment: Not observed at significant frequency in large population cohorts (gnomAD); In silico analysis suggests that this missense variant does not alter protein structure/function; In silico analysis suggests this variant may impact gene splicing. In the absence of RNA/functional studies, the actual effect of this sequence change is unknown; This variant is associated with the following publications: (PMID: 38106161, 41665965, 26150605)

PreventionGenetics, part of Exact Sciences
Classification: Likely pathogenic for PKD1-related condition. Last evaluated: 2025-11-12. Review status: criteria provided, single submitter. Criteria: ACMG Guidelines, 2015. Collection method: clinical testing. Allele origin: germline.
Comment: The PKD1 c.230A>G variant is predicted to result in the amino acid substitution p.Asn77Ser. This variant is predicted to create a cryptic splice acceptor site (acceptor gain) based on available splicing prediction programs (Alamut Visual Plus v1.6.1; SpliceAI, Jaganathan et al. 2019. PubMed ID: 30661751). This variant has been reported in two families with autosomal dominant polycystic kidney disease (ADPKD) (Supplemental Table 3, Cornec-Le Gall et al. 2016. PubMed ID: 26150605). In addition, we have previously found this variant in multiple patients with PKD at PreventionGenetics (internal data). This variant has been reported as likely pathogenic in a database of variants associated with ADPKD. This variant has not been reported in a large population database (gnomAD), indicating this variant is rare. This variant is interpreted as likely pathogenic.

Women's Health and Genetics/Laboratory Corporation of America, LabCorp
Classification: Uncertain significance. Last evaluated: 2025-05-02. Review status: criteria provided, single submitter. Criteria: LabCorp Variant Classification Summary - May 2015. Collection method: clinical testing. Allele origin: germline.
Comment: Variant summary: PKD1 c.230A>G (p.Asn77Ser) results in a conservative amino acid change in the encoded protein sequence. Algorithms developed to predict the effect of missense changes on protein structure and function are either unavailable or do not agree on the potential impact of this missense change. The variant was absent in 136466 control chromosomes. c.230A>G has been observed in individual(s) affected with Autosomal Dominant Polycystic Kidney Disease 1 (Cornec-Le Gall_2016, Mantovani_2020). These data indicate that the variant may be associated with disease. One publication reports experimental evidence evaluating an impact on protein function, however, does not allow convincing conclusions about the variant effect (Ha_2024). The following publications have been ascertained in the context of this evaluation (PMID: 26150605, 38106161, 32457805). ClinVar contains an entry for this variant (Variation ID: 1303904). Based on the evidence outlined above, the variant was classified as VUS-possibly pathogenic.

Department of Pathology and Laboratory Medicine, Sinai Health System
Classification: Uncertain significance for Polycystic kidney disease, adult type. Last evaluated: 2025-01-02. Review status: criteria provided, single submitter. Criteria: ACMG Guidelines, 2015. Collection method: clinical testing. Allele origin: germline.

Fulgent Genetics
Classification: Likely pathogenic for Polycystic kidney disease, adult type. Last evaluated: 2024-04-17. Review status: criteria provided, single submitter. Criteria: ACMG Guidelines, 2015. Collection method: clinical testing. Allele origin: germline.

Literature cited by the submitters: PubMed 32457805 (cited by Women's Health and Genetics/Laboratory Corporation of America, LabCorp); PubMed 26150605 (cited by Women's Health and Genetics/Laboratory Corporation of America, LabCorp); PubMed 38106161 (cited by Women's Health and Genetics/Laboratory Corporation of America, LabCorp).

NM_001009944.3(PKD1):c.230A>G (p.Asn77Ser)

Gene: PKD1 (polycystin 1, transient receptor potential channel interacting; minus strand). Cytogenetic location: 16p13.3.
Variant type: single nucleotide variant.
Coding change: c.230A>G on transcript NM_001009944.3 (MANE Select); coding-DNA position 230, A replaced by G.
Protein change: p.Asn77Ser; replaces asparagine 77 with serine.
Molecular consequence: missense variant.
Genome position (GRCh38, 1-based): chr16:2,119,364, T>C on the plus strand (A>G on the coding strand, the complement: PKD1 is on the minus strand). VCF-style: chr16-2119364-T-C. GRCh37 (hg19) VCF-style: chr16-2169365-T-C.
Other names: c.230A>G, p.Asn77Ser (NM_000296.4); short protein forms N77S.
Identifiers: ClinVar variation 1303904 (VCV001303904.8), dbSNP rs2092686792, ClinGen allele CA394396304.